The following is an entry in ClinVar:

NM_001297.5(CNGB1):c.3365A>G (p.Lys1122Arg)

Gene: CNGB1 (cyclic nucleotide gated channel subunit beta 1; minus strand). Cytogenetic location: 16q21.
Variant type: single nucleotide variant.
Coding change: c.3365A>G on transcript NM_001297.5 (MANE Select); coding-DNA position 3365, A replaced by G.
Protein change: p.Lys1122Arg; replaces lysine 1122 with arginine.
Molecular consequence: missense variant.
Genome position (GRCh38, 1-based): chr16:57,887,952, T>C on the plus strand (A>G on the coding strand, the complement: CNGB1 is on the minus strand). VCF-style: chr16-57887952-T-C. GRCh37 (hg19) VCF-style: chr16-57921856-T-C.
Other names: c.3347A>G, p.Lys1116Arg (NM_001286130.2); short protein forms K1116R, K1122R.
Identifiers: ClinVar variation 5005611 (VCV005005611.2).

ClinVar aggregate classification (germline): Uncertain significance (1 of 4 stars; one submission).

Conditions:
Retinitis pigmentosa 45 (RP45). Identifiers: Orphanet 791, MedGen C3151066, MONDO:0013413, OMIM 613767.

gnomAD v4.1: 1 of 1,614,208 alleles (0.000062%); highest among the groups gnomAD compares: Non-Finnish European, 0.000085%; no homozygotes.

Submission:

Juno Genomics, Hangzhou Juno Genomics, Inc
Classification: Uncertain significance for Retinitis pigmentosa 45. Review status: criteria provided, single submitter. Criteria: ACMG Guidelines, 2015. Collection method: clinical testing. Allele origin: germline.
Comment: Absent from controls (or at extremely low frequency if recessive) in Genome Aggregation Database.